The following is an entry in ClinVar:

NM_001267550.2(TTN):c.25064-2A>G

Gene: TTN (titin; minus strand). Cytogenetic location: 2q31.2.
Variant type: single nucleotide variant.
Coding change: c.25064-2A>G on transcript NM_001267550.2 (MANE Select); the canonical splice acceptor site of the intron before coding-DNA position 25064, A replaced by G.
Molecular consequence: splice acceptor variant. On other transcripts: intron variant (3).
Genome position (GRCh38, 1-based): chr2:178,717,812, T>C on the plus strand (A>G on the coding strand, the complement: TTN is on the minus strand). VCF-style: chr2-178717812-T-C. GRCh37 (hg19) VCF-style: chr2-179582539-T-C.
Other names: c.13282+20270A>G (NM_003319.4); c.13858+20270A>G (NM_133437.4); c.13657+20270A>G (NM_133432.3); c.21332-2A>G (NM_133378.4); c.24113-2A>G (NM_001256850.1).
Identifiers: ClinVar variation 2945132 (VCV002945132.3), dbSNP rs2529225314, ClinGen allele CA349489929.

ClinVar aggregate classification (germline): Likely pathogenic (1 of 4 stars; one submission).

Conditions:
Dilated cardiomyopathy 1G (CMD1G). Identifiers: Orphanet 154, MedGen C1858763, MONDO:0011400, OMIM 604145.
Autosomal recessive limb-girdle muscular dystrophy type 2J (LGMDR10). Also called: Limb-girdle muscular dystrophy, type 2J; MUSCULAR DYSTROPHY, LIMB-GIRDLE, AUTOSOMAL RECESSIVE 10. Identifiers: Orphanet 140922, MedGen C1837342, MONDO:0012127, OMIM 608807.

Submission:

Labcorp Genetics (formerly Invitae), Labcorp
Classification: Likely pathogenic for Dilated cardiomyopathy 1G; Autosomal recessive limb-girdle muscular dystrophy type 2J. Last evaluated: 2024-11-04. Review status: criteria provided, single submitter. Criteria: Invitae Variant Classification Sherloc (09022015). Collection method: clinical testing. Allele origin: germline.
Comment: This sequence change affects an acceptor splice site in intron 86 of the TTN gene. It is expected to disrupt RNA splicing and likely results in a truncated or disrupted TTN protein. This variant is not present in population databases (gnomAD no frequency). This variant has not been reported in the literature in individuals affected with TTN-related conditions. ClinVar contains an entry for this variant (Variation ID: 2945132). Algorithms developed to predict the effect of sequence changes on RNA splicing suggest that this variant may disrupt the consensus splice site. This variant is located in the I band of TTN (PMID: 25589632). Truncating variants in this region have been reported in individuals affected with autosomal recessive centronuclear myopathy (PMID: 23975875, internal data). Truncating variants in this region have also been identified in individuals affected with autosomal dominant dilated cardiomyopathy and/or cardio-related conditions (PMID: 27869827, 32964742, internal data). In summary, the currently available evidence indicates that the variant is pathogenic, but additional data are needed to prove that conclusively. Therefore, this variant has been classified as Likely Pathogenic.

Literature cited by the submitters: PubMed 25589632; PubMed 23975875; PubMed 27869827; PubMed 32964742.